The following is an entry in ClinVar:

ClinVar aggregate classification (germline): Uncertain significance. Review status: criteria provided, multiple submitters, no conflicts (2 of 4 stars). 2 submissions from 2 submitters: Uncertain significance (2). Last evaluated 2026-01-27.

Conditions:
Hereditary breast ovarian cancer syndrome. Also called: Breast and ovarian cancer; Hereditary breast and/or ovarian cancer syndrome; BRCA1- and BRCA2-Associated Hereditary Breast and Ovarian Cancer; Hereditary breast and ovarian cancer syndrome; Hereditary breast and ovarian cancer syndrome (HBOC); Hereditary breast and ovarian cancer. Identifiers: Orphanet 145, MedGen C0677776, MeSH D061325, MONDO:0003582. Disease mechanism: loss of function.
Hereditary cancer-predisposing syndrome. Also called: Tumor predisposition; Hereditary Cancer Syndrome; Hereditary neoplastic syndrome; Neoplastic Syndromes, Hereditary. Identifiers: Orphanet 140162, MedGen C0027672, MeSH D009386, MONDO:0015356.

gnomAD v4.1: 2 of 1,613,428 alleles (0.00012%); highest among the groups gnomAD compares: South Asian, 0.0022%; no homozygotes.

Submissions (3):

Ambry Genetics
Classification: Uncertain significance for Hereditary cancer-predisposing syndrome. Last evaluated: 2026-01-27. Review status: criteria provided, single submitter. Criteria: Ambry Variant Classification Scheme 2023. Collection method: clinical testing. Allele origin: germline.
Comment: The p.R7S variant (also known as c.19C>A), located in coding exon 1 of the BRCA1 gene, results from a C to A substitution at nucleotide position 19. The arginine at codon 7 is replaced by serine, an amino acid with dissimilar properties. One functional study found that this nucleotide substitution had an intermediate impact in a high throughput, genome editing haploid cell survival assay (Findlay GM et al. Nature, 2018 Oct;562:217-222). This nucleotide position is well conserved in available vertebrate species. This amino acid position is poorly conserved in available vertebrate species. In silico splice site analysis for this alteration is inconclusive. RNA studies have demonstrated that this variant results in an incomplete splice defect; the clinical impact of this abnormal splicing is unknown at this time (Ambry internal data). In addition, as a missense, the in silico prediction for this alteration is inconclusive. Based on the available evidence, the clinical significance of this variant remains unclear.

Labcorp Genetics (formerly Invitae), Labcorp
Classification: Uncertain significance for Hereditary breast ovarian cancer syndrome. Last evaluated: 2019-04-24. Review status: criteria provided, single submitter. Criteria: Invitae Variant Classification Sherloc (09022015). Collection method: clinical testing. Allele origin: germline.
Comment: This sequence change replaces arginine with serine at codon 7 of the BRCA1 protein (p.Arg7Ser). The arginine residue is moderately conserved and there is a moderate physicochemical difference between arginine and serine. This variant is present in population databases (rs80356994, ExAC 0.006%). This variant has not been reported in the literature in individuals with BRCA1-related conditions. This variant has been reported to have conflicting or insufficient data to determine the effect on BRCA1 protein function (PMID: 30209399). Algorithms developed to predict the effect of sequence changes on RNA splicing suggest that this variant may create or strengthen a splice site, but this prediction has not been confirmed by published transcriptional studies. In summary, the available evidence is currently insufficient to determine the role of this variant in disease. Therefore, it has been classified as a Variant of Uncertain Significance.

Brotman Baty Institute, University of Washington
No classification provided (evidence only). Condition: Breast-ovarian cancer, familial 1. Review status: no classification provided. Collection method: in vitro. Allele origin: not applicable. Functional consequence: function_uncertain_variant. Not counted in ClinVar's aggregate classification.
ClinVar note: "not provided" was previously submitted as the classification for the variant. However, the classification appeared to be based only on an observation of functional data so it was converted to no classification on 2025-07-30.

Literature cited by the submitters: PubMed 30209399 (cited by Ambry Genetics and Labcorp Genetics (formerly Invitae), Labcorp).

NM_007294.4(BRCA1):c.19C>A (p.Arg7Ser)

Gene: BRCA1 (BRCA1 DNA repair associated; minus strand). Cytogenetic location: 17q21.31.
Variant type: single nucleotide variant.
Coding change: c.19C>A on transcript NM_007294.4 (MANE Select); coding-DNA position 19, C replaced by A.
Protein change: p.Arg7Ser; replaces arginine 7 with serine.
Molecular consequence: missense variant. On other transcripts: 5 prime UTR variant (1), non-coding transcript variant (1).
Genome position (GRCh38, 1-based): chr17:43,124,078, G>T on the plus strand (C>A on the coding strand, the complement: BRCA1 is on the minus strand). VCF-style: chr17-43124078-G-T. GRCh37 (hg19) VCF-style: chr17-41276095-G-T.
Other names: c.-170C>A (NM_001407571.1, NM_001407853.1, NM_001407879.1 and 46 more transcripts); c.19C>A, p.Arg7Ser (NM_001407581.1, NM_001407582.1, NM_001407583.1 and 193 more transcripts); c.-239C>A (NM_001407694.1, NM_001407724.1, NM_001407727.1 and 11 more transcripts); c.-243C>A (NM_001407695.1, NM_001408465.1); c.-384C>A (NM_001407696.1); c.-268C>A (NM_001407697.1, NM_001407846.1, NM_001407920.1); c.-69C>A (NM_001407698.1, NM_001407732.1, NM_001407736.1 and 23 more transcripts); c.-242C>A (NM_001407725.1, NM_001407730.1, NM_001407734.1 and 22 more transcripts); and 8 more; short protein forms R7S.
Identifiers: ClinVar variation 531388 (VCV000531388.15), dbSNP rs80356994, ClinGen allele CA054990.